The following is an entry in ClinVar:

NM_025144.4(ALPK1):c.3394C>G (p.Pro1132Ala)

Gene: ALPK1 (alpha kinase 1; plus strand). Cytogenetic location: 4q25.
Variant type: single nucleotide variant.
Coding change: c.3394C>G on transcript NM_025144.4 (MANE Select); coding-DNA position 3394, C replaced by G.
Protein change: p.Pro1132Ala; replaces proline 1132 with alanine.
Molecular consequence: missense variant.
Genome position (GRCh38, 1-based): chr4:112,439,728, C>G. VCF-style: chr4-112439728-C-G. GRCh37 (hg19) VCF-style: chr4-113360884-C-G.
Other names: c.3394C>G, p.Pro1132Ala (NM_001102406.2); c.3160C>G, p.Pro1054Ala (NM_001253884.2); short protein forms P1054A, P1132A.
Identifiers: ClinVar variation 3616252 (VCV003616252.2).

ClinVar aggregate classification (germline): Uncertain significance (1 of 4 stars; one submission).

gnomAD v4.1: 3 of 1,612,726 alleles (0.00019%); highest among the groups gnomAD compares: Admixed American, 0.0017%; no homozygotes.

Submission:

Labcorp Genetics (formerly Invitae), Labcorp
Classification: Uncertain significance. Last evaluated: 2025-07-17. Review status: criteria provided, single submitter. Criteria: Invitae Variant Classification Sherloc (09022015). Collection method: clinical testing. Allele origin: germline.
Comment: This sequence change replaces proline, which is neutral and non-polar, with alanine, which is neutral and non-polar, at codon 1132 of the ALPK1 protein (p.Pro1132Ala). This variant is not present in population databases (gnomAD no frequency). This variant has not been reported in the literature in individuals affected with ALPK1-related conditions. ClinVar contains an entry for this variant (Variation ID: 3616252). An algorithm developed to predict the effect of missense changes on protein structure and function (PolyPhen-2) suggests that this variant is likely to be disruptive. In summary, the available evidence is currently insufficient to determine the role of this variant in disease. Therefore, it has been classified as a Variant of Uncertain Significance.